The following is an entry in ClinVar:

NM_000748.3(CHRNB2):c.1481C>T (p.Ser494Leu)

Gene: CHRNB2 (cholinergic receptor nicotinic beta 2 subunit; plus strand). Cytogenetic location: 1q21.3.
Variant type: single nucleotide variant.
Coding change: c.1481C>T on transcript NM_000748.3 (MANE Select); coding-DNA position 1481, C replaced by T.
Protein change: p.Ser494Leu; replaces serine 494 with leucine.
Molecular consequence: missense variant.
Genome position (GRCh38, 1-based): chr1:154,575,904, C>T. VCF-style: chr1-154575904-C-T. GRCh37 (hg19) VCF-style: chr1-154548380-C-T.
Other names: c.1481C>T (NM_000748.2); short protein forms S494L.
Identifiers: ClinVar variation 2810037 (VCV002810037.4), dbSNP rs1571026602, ClinGen allele CA342633299.
Genomic context (GRCh38, chr1:154,575,904, plus strand): 5'-CCATCGGCATGTTCCTGCAGCCTCTCTTCCAGAACTACACCACCACCACCTTCCTCCACT[C>T]AGACCACTCAGCCCCCAGCTCCAAGTGAGGCCCTTCCTCATCTCCATGCTCTTTCACCCT-3'
Protein context (NP_000739.1, residues 484-502): QNYTTTTFLH[Ser494Leu]DHSAPSSK

ClinVar aggregate classification (germline): Uncertain significance. Review status: criteria provided, multiple submitters, no conflicts (2 of 4 stars). 2 submissions from 2 submitters: Uncertain significance (2). Last evaluated 2024-05-31.

Conditions:
Familial sleep-related hypermotor epilepsy. Also called: Autosomal Dominant Sleep-Related Hypermotor (Hyperkinetic) Epilepsy. Identifiers: Orphanet 98784, MedGen C3696898, MONDO:0000030.

Allele frequency attached by ClinVar (database versions not stated): gnomAD exomes below 0.00001; TOPMed below 0.00001.
gnomAD v4.1: 2 of 1,614,218 alleles (0.00012%); highest among the groups gnomAD compares: Non-Finnish European, 0.00017%; no homozygotes.

Submissions (2):

GeneDx
Classification: Uncertain significance. Last evaluated: 2024-05-31. Review status: criteria provided, single submitter. Criteria: GeneDx Variant Classification Process June 2021. Collection method: clinical testing. Allele origin: germline. Affected: yes.
Comment: Not observed at significant frequency in large population cohorts (gnomAD); In silico analysis indicates that this missense variant does not alter protein structure/function; Has not been previously published as pathogenic or benign to our knowledge

Labcorp Genetics (formerly Invitae), Labcorp
Classification: Uncertain significance. Last evaluated: 2023-12-30. Review status: criteria provided, single submitter. Criteria: Invitae Variant Classification Sherloc (09022015). Collection method: clinical testing. Allele origin: germline.
Comment: This sequence change replaces serine, which is neutral and polar, with leucine, which is neutral and non-polar, at codon 494 of the CHRNB2 protein (p.Ser494Leu). This variant is not present in population databases (gnomAD no frequency). This variant has not been reported in the literature in individuals affected with CHRNB2-related conditions. Advanced modeling of protein sequence and biophysical properties (such as structural, functional, and spatial information, amino acid conservation, physicochemical variation, residue mobility, and thermodynamic stability) performed at Invitae indicates that this missense variant is not expected to disrupt CHRNB2 protein function with a negative predictive value of 95%. In summary, the available evidence is currently insufficient to determine the role of this variant in disease. Therefore, it has been classified as a Variant of Uncertain Significance.